The following is an entry in ClinVar:

NM_020461.4(TUBGCP6):c.2165C>T (p.Ala722Val)

Gene: TUBGCP6 (tubulin gamma complex component 6; minus strand). Cytogenetic location: 22q13.33.
Variant type: single nucleotide variant.
Coding change: c.2165C>T on transcript NM_020461.4 (MANE Select); coding-DNA position 2165, C replaced by T.
Protein change: p.Ala722Val; replaces alanine 722 with valine.
Molecular consequence: missense variant.
Genome position (GRCh38, 1-based): chr22:50,224,246, G>A on the plus strand (C>T on the coding strand, the complement: TUBGCP6 is on the minus strand). VCF-style: chr22-50224246-G-A. GRCh37 (hg19) VCF-style: chr22-50662675-G-A.
Other names: short protein forms A722V.
Identifiers: ClinVar variation 1477296 (VCV001477296.5), dbSNP rs376316972, ClinGen allele CA10308321.

ClinVar aggregate classification (germline): Uncertain significance. Review status: criteria provided, multiple submitters, no conflicts (2 of 4 stars). 2 submissions from 2 submitters: Uncertain significance (2). Last evaluated 2024-08-29.

Allele frequency attached by ClinVar (database versions not stated): gnomAD exomes 0.00001; TOPMed 0.00001; ExAC 0.00002; gnomAD 0.00003; ESP Exome Variant Server 0.00008.
gnomAD v4.1: 12 of 1,613,974 alleles (0.00074%); highest among the groups gnomAD compares: Middle Eastern, 0.016%; no homozygotes.

Submissions (2):

Blueprint Genetics
Classification: Uncertain significance. Last evaluated: 2024-08-29. Review status: criteria provided, single submitter. Criteria: ACMG Guidelines, 2015. Collection method: clinical testing. Allele origin: germline.

Labcorp Genetics (formerly Invitae), Labcorp
Classification: Uncertain significance. Last evaluated: 2022-09-27. Review status: criteria provided, single submitter. Criteria: Invitae Variant Classification Sherloc (09022015). Collection method: clinical testing. Allele origin: germline.
Comment: In summary, the available evidence is currently insufficient to determine the role of this variant in disease. Therefore, it has been classified as a Variant of Uncertain Significance. Algorithms developed to predict the effect of sequence changes on RNA splicing suggest that this variant may create or strengthen a splice site. Algorithms developed to predict the effect of missense changes on protein structure and function output the following: SIFT: "Tolerated"; PolyPhen-2: "Probably Damaging"; Align-GVGD: "Class C0". The valine amino acid residue is found in multiple mammalian species, which suggests that this missense change does not adversely affect protein function. ClinVar contains an entry for this variant (Variation ID: 1477296). This variant has not been reported in the literature in individuals affected with TUBGCP6-related conditions. This variant is present in population databases (rs376316972, gnomAD 0.006%). This sequence change replaces alanine, which is neutral and non-polar, with valine, which is neutral and non-polar, at codon 722 of the TUBGCP6 protein (p.Ala722Val).